The following is an entry in ClinVar:

ClinVar aggregate classification (germline): Uncertain significance (1 of 4 stars; one submission).

Submission:

Labcorp Genetics (formerly Invitae), Labcorp
Classification: Uncertain significance. Last evaluated: 2023-05-27. Review status: criteria provided, single submitter. Criteria: Invitae Variant Classification Sherloc (09022015). Collection method: clinical testing. Allele origin: germline.
Comment: In summary, the available evidence is currently insufficient to determine the role of this variant in disease. Therefore, it has been classified as a Variant of Uncertain Significance. This variant has not been reported in the literature in individuals affected with DUOX2-related conditions. This variant results in a copy number gain of the genomic region encompassing exon(s) 27-34 of the DUOX2 gene. This region includes the termination codon of the gene. This copy number gain extends beyond the assayed region for this gene and therefore may encompass additional genes. As the precise location of this event is unknown, it may be in tandem or it may be located elsewhere in the genome.

NC_000015.9:g.(?_45152372)_(45390276_?)dup

Genes: DUOX2 (dual oxidase 2; minus strand), SORD (sorbitol dehydrogenase; plus strand), TERB2 (telomere repeat binding bouquet formation protein 2; plus strand). Cytogenetic location: 15q21.1.
Variant type: Duplication.
Identifiers: ClinVar variation 2425892 (VCV002425892.4).